The following is an entry in ClinVar:

NM_000207.3(INS):c.292A>T (p.Ser98Cys)

Genes: INS (insulin; minus strand), INS-IGF2 (INS-IGF2 readthrough; minus strand). Cytogenetic location: 11p15.5.
Variant type: single nucleotide variant.
Coding change: c.292A>T on transcript NM_000207.3 (MANE Select); coding-DNA position 292, A replaced by T.
Protein change: p.Ser98Cys; replaces serine 98 with cysteine.
Molecular consequence: missense variant. On other transcripts: intron variant (1).
Genome position (GRCh38, 1-based): chr11:2,159,893, T>A on the plus strand (A>T on the coding strand, the complement: INS is on the minus strand). VCF-style: chr11-2159893-T-A. GRCh37 (hg19) VCF-style: chr11-2181123-T-A.
Other names: c.292A>T, p.Ser98Cys (NM_001185097.2, NM_001185098.2, NM_001291897.2); c.187+892A>T (NM_001042376.3); short protein forms S98C.
Identifiers: ClinVar variation 435508 (VCV000435508.7), dbSNP rs1252051752, ClinGen allele CA379120844.

ClinVar aggregate classification (germline): Uncertain significance/Uncertain risk allele. Review status: criteria provided, multiple submitters, no conflicts (2 of 4 stars). 2 submissions from 2 submitters: Uncertain significance (1); Uncertain risk allele (1). Last evaluated 2016-03-22.

Conditions:
Neonatal insulin-dependent diabetes mellitus. Identifiers: MedGen C3278636, HP:0000857.

Submissions (2):

Genetic Services Laboratory, University of Chicago
Classification: Uncertain significance. Last evaluated: 2016-03-22. Review status: criteria provided, single submitter. Criteria: ACMG Guidelines, 2015. Collection method: clinical testing. Allele origin: germline. Affected: no.

Clinical Genomics, Uppaluri K&H Personalized Medicine Clinic
Classification: Uncertain risk allele for Neonatal insulin-dependent diabetes mellitus. Review status: criteria provided, single submitter. Criteria: K & H Uppaluri Personalized Medicine Clinic Variant Classification & Assertion Criteria_Updated V.1. Collection method: research. Allele origin: unknown.
Comment: Mutations in INS gene can cause early onset diabetes mellitus which is insulin dependent. May have poor response to sulfonylureas, as this mutation can cause beta cell destruction. However no sufficient evidence is found to ascertain the role of this particular variant rs1252051752, yet.

Literature cited by the submitters: PubMed 11921414 (cited by Clinical Genomics, Uppaluri K&H Personalized Medicine Clinic); PubMed 25542748 (cited by Clinical Genomics, Uppaluri K&H Personalized Medicine Clinic); PubMed 26101329 (cited by Clinical Genomics, Uppaluri K&H Personalized Medicine Clinic); PubMed 18171712 (cited by Clinical Genomics, Uppaluri K&H Personalized Medicine Clinic).